The following is an entry in ClinVar:

NM_138927.4(SON):c.1408C>T (p.Pro470Ser)

Gene: SON (SON DNA and RNA binding protein; plus strand). Cytogenetic location: 21q22.11.
Variant type: single nucleotide variant.
Coding change: c.1408C>T on transcript NM_138927.4 (MANE Select); coding-DNA position 1408, C replaced by T.
Protein change: p.Pro470Ser; replaces proline 470 with serine.
Molecular consequence: missense variant. On other transcripts: non-coding transcript variant (1), intron variant (1).
Genome position (GRCh38, 1-based): chr21:33,550,639, C>T. VCF-style: chr21-33550639-C-T. GRCh37 (hg19) VCF-style: chr21-34922945-C-T.
Other names: c.1408C>T, p.Pro470Ser (NM_001291411.2, NM_032195.3); c.244+4260C>T (NM_001291412.3); short protein forms P470S.
Identifiers: ClinVar variation 3618870 (VCV003618870.2).
Genomic context (GRCh38, chr21:33,550,639, plus strand): 5'-TCGCAGGAATTGCCAGGGCTTCCAGCACCATCCATGGGGTTGGAGCCACCACAGGAGGTA[C>T]CAGAGCCACCTGTGATGGCACAGGAGTTGCCAGGGCTGCCTTTGGTGACAGCAGCAGTAG-3'
Protein context (NP_620305.3, residues 460-480): SMGLEPPQEV[Pro470Ser]EPPVMAQELP

ClinVar aggregate classification (germline): Uncertain significance (1 of 4 stars; one submission).

Submission:

Labcorp Genetics (formerly Invitae), Labcorp
Classification: Uncertain significance. Last evaluated: 2024-04-05. Review status: criteria provided, single submitter. Criteria: Invitae Variant Classification Sherloc (09022015). Collection method: clinical testing. Allele origin: germline.
Comment: This sequence change replaces proline, which is neutral and non-polar, with serine, which is neutral and polar, at codon 470 of the SON protein (p.Pro470Ser). This variant is not present in population databases (gnomAD no frequency). This variant has not been reported in the literature in individuals affected with SON-related conditions. Algorithms developed to predict the effect of missense changes on protein structure and function output the following: SIFT: "Not Available"; PolyPhen-2: "Benign"; Align-GVGD: "Not Available". The serine amino acid residue is found in multiple mammalian species, which suggests that this missense change does not adversely affect protein function. In summary, the available evidence is currently insufficient to determine the role of this variant in disease. Therefore, it has been classified as a Variant of Uncertain Significance.